The following is an entry in ClinVar:

ClinVar aggregate classification (germline): Benign/Likely benign. Review status: criteria provided, multiple submitters, no conflicts (2 of 4 stars). 6 submissions from 6 submitters: Benign (5); Likely benign (1). Last evaluated 2026-02-04.

Conditions:
Trimethylaminuria (TMAU). Also called: Fish malodor syndrome; Stale fish syndrome; TMAuria; FISH-ODOR SYNDROME; Primary Trimethylaminuria. Identifiers: MedGen C0342739, MONDO:0011182, OMIM 602079, HP:0003614. Disease mechanism: loss of function.

Allele frequency attached by ClinVar (database versions not stated): ESP Exome Variant Server 0.06466; gnomAD exomes 0.07393 and 0.11460; gnomAD 0.07828 and 0.08421; TOPMed 0.09454; ExAC 0.10777; 1000 Genomes Project 30x 0.13991; 1000 Genomes Project 0.14157.
gnomAD v4.1: 121,494 of 1,613,590 alleles (7.5%); highest among the groups gnomAD compares: Admixed American, 25%; 7,011 homozygotes.

Submissions (6):

Labcorp Genetics (formerly Invitae), Labcorp
Classification: Benign. Last evaluated: 2026-02-04. Review status: criteria provided, single submitter. Criteria: Invitae Variant Classification Sherloc (09022015). Collection method: clinical testing. Allele origin: germline.

Women's Health and Genetics/Laboratory Corporation of America, LabCorp
Classification: Benign. Last evaluated: 2025-11-25. Review status: criteria provided, single submitter. Criteria: LabCorp Variant Classification Summary - May 2015. Collection method: clinical testing. Allele origin: germline.

Blueprint Genetics
Classification: Likely benign. Last evaluated: 2024-11-26. Review status: criteria provided, single submitter. Criteria: ACMG Guidelines, 2015. Collection method: clinical testing. Allele origin: germline.

Illumina Laboratory Services, Illumina
Classification: Benign for Trimethylaminuria. Last evaluated: 2018-03-06. Review status: criteria provided, single submitter. Criteria: ICSL Variant Classification Criteria 13 December 2019. Collection method: clinical testing. Allele origin: germline.
Comment: This variant was observed in the ICSL laboratory as part of a predisposition screen in an ostensibly healthy population. It had not been previously curated by ICSL or reported in the Human Gene Mutation Database (HGMD: prior to June 1st, 2018), and was therefore a candidate for classification through an automated scoring system. Utilizing variant allele frequency, disease prevalence and penetrance estimates, and inheritance mode, an automated score was calculated to assess if this variant is too frequent to cause the disease. Based on the score and internal cut-off values, a variant classified as benign is not then subjected to further curation. The score for this variant resulted in a classification of benign for this disease.

Breakthrough Genomics
Classification: Benign. Review status: criteria provided, single submitter. Criteria: ACMG Guidelines, 2015. Collection method: not provided. Allele origin: germline. Inheritance: Autosomal recessive inheritance. Affected: yes.

PreventionGenetics, part of Exact Sciences
Classification: Benign. Review status: criteria provided, single submitter. Criteria: ACMG Guidelines, 2015. Collection method: clinical testing. Allele origin: germline.

NM_001002294.3(FMO3):c.441C>T (p.Ser147=)

Genes: FMO3 (flavin containing dimethylaniline monoxygenase 3; plus strand), LOC126805916 (BRD4-independent group 4 enhancer GRCh37_chr1:171076844-171078043; plus strand). Cytogenetic location: 1q24.3.
Variant type: single nucleotide variant.
Coding change: c.441C>T on transcript NM_001002294.3 (MANE Select); coding-DNA position 441, C replaced by T.
Protein change: p.Ser147=; no amino-acid change (serine 147 retained).
Molecular consequence: synonymous variant.
Genome position (GRCh38, 1-based): chr1:171,107,794, C>T. VCF-style: chr1-171107794-C-T. GRCh37 (hg19) VCF-style: chr1-171076935-C-T.
Other names: c.381C>T, p.Ser127= (NM_001319173.2); c.252C>T, p.Ser84= (NM_001319174.2); c.441C>T, p.Ser147= (NM_006894.6).
Identifiers: ClinVar variation 260073 (VCV000260073.12), dbSNP rs1800822, ClinGen allele CA1240537.
Genomic context (GRCh38, chr1:171,107,794, plus strand): 5'-TACCACTGAAAGGGATGGTAAAAAAGAATCGGCTGTCTTTGATGCTGTAATGGTTTGTTC[C>T]GGACATCATGTGTATCCCAACCTACCAAAAGAGTCCTTTCCAGGTAAGGCCAAAATTTAA-3'
Protein context (NP_001002294.1, residues 137-157): SAVFDAVMVC[Ser147=]GHHVYPNLPK